The following is an entry in ClinVar:

NM_001371986.1(UNC80):c.2168G>A (p.Gly723Glu)

Gene: UNC80 (unc-80 homolog, NALCN channel complex subunit; plus strand). Cytogenetic location: 2q34.
Variant type: single nucleotide variant.
Coding change: c.2168G>A on transcript NM_001371986.1 (MANE Select); coding-DNA position 2168, G replaced by A.
Protein change: p.Gly723Glu; replaces glycine 723 with glutamic acid.
Molecular consequence: missense variant.
Genome position (GRCh38, 1-based): chr2:209,820,516, G>A. VCF-style: chr2-209820516-G-A. GRCh37 (hg19) VCF-style: chr2-210685240-G-A.
Other names: c.2168G>A, p.Gly723Glu (NM_032504.2, NM_182587.4); short protein forms G723E.
Identifiers: ClinVar variation 1965696 (VCV001965696.2), dbSNP rs1242758106, ClinGen allele CA350136809.

ClinVar aggregate classification (germline): Uncertain significance (1 of 4 stars; one submission).

Allele frequency attached by ClinVar (database versions not stated): TOPMed below 0.00001; gnomAD exomes 0.00001.
gnomAD v4.1: 4 of 1,551,612 alleles (0.00026%); highest among the groups gnomAD compares: Admixed American, 0.0078%; no homozygotes.

Submission:

Labcorp Genetics (formerly Invitae), Labcorp
Classification: Uncertain significance. Last evaluated: 2022-03-29. Review status: criteria provided, single submitter. Criteria: Invitae Variant Classification Sherloc (09022015). Collection method: clinical testing. Allele origin: germline.
Comment: This sequence change replaces glycine, which is neutral and non-polar, with glutamic acid, which is acidic and polar, at codon 723 of the UNC80 protein (p.Gly723Glu). This variant is present in population databases (no rsID available, gnomAD 0.008%). This variant has not been reported in the literature in individuals affected with UNC80-related conditions. Algorithms developed to predict the effect of missense changes on protein structure and function are either unavailable or do not agree on the potential impact of this missense change (SIFT: "Not Available"; PolyPhen-2: "Benign"; Align-GVGD: "Not Available"). In summary, the available evidence is currently insufficient to determine the role of this variant in disease. Therefore, it has been classified as a Variant of Uncertain Significance.